The following is an entry in ClinVar:

ClinVar aggregate classification (germline): Uncertain significance (1 of 4 stars; one submission).

gnomAD v4.1: 1 of 1,612,114 alleles (0.000062%); highest among the groups gnomAD compares: Admixed American, 0.0017%; no homozygotes.

Submission:

GeneDx
Classification: Uncertain significance. Last evaluated: 2026-01-31. Review status: criteria provided, single submitter. Criteria: GeneDx Variant Classification Process June 2021. Collection method: clinical testing. Allele origin: germline.
Comment: Not observed at significant frequency in large population cohorts (gnomAD); In silico analysis suggests that this missense variant does not alter protein structure/function; Has not been previously published as pathogenic or benign to our knowledge

NM_001077653.2(TBX20):c.34T>C (p.Ser12Pro)

Gene: TBX20 (T-box transcription factor 20; minus strand). Cytogenetic location: 7p14.2.
Variant type: single nucleotide variant.
Coding change: c.34T>C on transcript NM_001077653.2 (MANE Select); coding-DNA position 34, T replaced by C.
Protein change: p.Ser12Pro; replaces serine 12 with proline.
Molecular consequence: missense variant.
Genome position (GRCh38, 1-based): chr7:35,253,587, A>G on the plus strand (T>C on the coding strand, the complement: TBX20 is on the minus strand). VCF-style: chr7-35253587-A-G. GRCh37 (hg19) VCF-style: chr7-35293198-A-G.
Other names: c.34T>C, p.Ser12Pro (NM_001166220.1); short protein forms S12P.
Identifiers: ClinVar variation 3365262 (VCV003365262.2).